The following is an entry in ClinVar:

ClinVar aggregate classification (germline): Uncertain significance. Review status: criteria provided, multiple submitters, no conflicts (2 of 4 stars). 2 submissions from 2 submitters: Uncertain significance (2). Last evaluated 2023-07-31.

Conditions:
Intellectual developmental disorder, autosomal dominant 1. Also called: Intellectual disability, autosomal dominant 1; MBD5 Haploinsufficiency. Identifiers: Orphanet 228402, MedGen C1969562, MONDO:0007974, OMIM 156200.

Allele frequency attached by ClinVar (database versions not stated): gnomAD exomes below 0.00001.
gnomAD v4.1: 1 of 1,613,786 alleles (0.000062%); highest among the groups gnomAD compares: Non-Finnish European, 0.000085%; no homozygotes.

Submissions (2):

Labcorp Genetics (formerly Invitae), Labcorp
Classification: Uncertain significance for Intellectual developmental disorder, autosomal dominant 1. Last evaluated: 2023-07-31. Review status: criteria provided, single submitter. Criteria: Invitae Variant Classification Sherloc (09022015). Collection method: clinical testing. Allele origin: germline.
Comment: Advanced modeling of protein sequence and biophysical properties (such as structural, functional, and spatial information, amino acid conservation, physicochemical variation, residue mobility, and thermodynamic stability) performed at Invitae indicates that this missense variant is not expected to disrupt MBD5 protein function. In summary, the available evidence is currently insufficient to determine the role of this variant in disease. Therefore, it has been classified as a Variant of Uncertain Significance. ClinVar contains an entry for this variant (Variation ID: 935684). This sequence change replaces isoleucine, which is neutral and non-polar, with threonine, which is neutral and polar, at codon 172 of the MBD5 protein (p.Ile172Thr). This variant is not present in population databases (gnomAD no frequency). This variant has not been reported in the literature in individuals affected with MBD5-related conditions.

Mayo Clinic Laboratories, Mayo Clinic
Classification: Uncertain significance. Last evaluated: 2021-08-11. Review status: criteria provided, single submitter. Criteria: ACMG Guidelines, 2015. Collection method: clinical testing. Allele origin: germline.

NM_001378120.1(MBD5):c.515T>C (p.Ile172Thr)

Gene: MBD5 (methyl-CpG binding domain protein 5; plus strand). Cytogenetic location: 2q23.1.
Variant type: single nucleotide variant.
Coding change: c.515T>C on transcript NM_001378120.1 (MANE Select); coding-DNA position 515, T replaced by C.
Protein change: p.Ile172Thr; replaces isoleucine 172 with threonine.
Molecular consequence: missense variant.
Genome position (GRCh38, 1-based): chr2:148,468,458, T>C. VCF-style: chr2-148468458-T-C. GRCh37 (hg19) VCF-style: chr2-149226027-T-C.
Other names: p.Ile172Thr; c.515T>C, p.Ile172Thr (NM_018328.5); short protein forms I172T.
Identifiers: ClinVar variation 935684 (VCV000935684.13), dbSNP rs1481914876, ClinGen allele CA348716965.